The following is an entry in ClinVar:

NM_002834.5(PTPN11):c.934C>G (p.Pro312Ala)

Gene: PTPN11 (protein tyrosine phosphatase non-receptor type 11; plus strand). Cytogenetic location: 12q24.13.
Variant type: single nucleotide variant.
Coding change: c.934C>G on transcript NM_002834.5 (MANE Select); coding-DNA position 934, C replaced by G.
Protein change: p.Pro312Ala; replaces proline 312 with alanine.
Molecular consequence: missense variant.
Genome position (GRCh38, 1-based): chr12:112,477,857, C>G. VCF-style: chr12-112477857-C-G. GRCh37 (hg19) VCF-style: chr12-112915661-C-G.
Other names: c.934C>G, p.Pro312Ala (NM_001330437.2, NM_080601.3); c.931C>G, p.Pro311Ala (NM_001374625.1); short protein forms P312A, P311A.
Identifiers: ClinVar variation 4147369 (VCV004147369.1).

ClinVar aggregate classification (germline): Uncertain significance (1 of 4 stars; one submission).

Conditions:
Cardiovascular phenotype. Identifiers: MedGen CN230736.

gnomAD v4.1: 5 of 1,613,958 alleles (0.00031%); highest among the groups gnomAD compares: Non-Finnish European, 0.00042%; no homozygotes.

Submission:

Ambry Genetics
Classification: Uncertain significance for Cardiovascular phenotype. Last evaluated: 2025-08-12. Review status: criteria provided, single submitter. Criteria: Ambry Variant Classification Scheme 2023. Collection method: clinical testing. Allele origin: germline.
Comment: The p.P312A variant (also known as c.934C>G) is located in coding exon 9 of the PTPN11 gene. The proline at codon 312 is replaced by alanine, an amino acid with highly similar properties. This change occurs in the first base pair of coding exon 9. This amino acid position is conserved. In addition, the in silico prediction for this alteration is inconclusive. Based on the available evidence, the clinical significance of this variant remains unclear.